The following is an entry in ClinVar:

NM_133642.5(LARGE1):c.492-3C>T

Gene: LARGE1 (LARGE xylosyl- and glucuronyltransferase 1; minus strand). Cytogenetic location: 22q12.3.
Variant type: single nucleotide variant.
Coding change: c.492-3C>T on transcript NM_133642.5 (MANE Select); 3 bases into the intron before coding-DNA position 492, C replaced by T.
Molecular consequence: intron variant.
Genome position (GRCh38, 1-based): chr22:33,604,561, G>A on the plus strand (C>T on the coding strand, the complement: LARGE1 is on the minus strand). VCF-style: chr22-33604561-G-A. GRCh37 (hg19) VCF-style: chr22-34000547-G-A.
Other names: c.492-3C>T (NM_001362953.2, NM_001362949.2, NM_001378627.1 and 7 more transcripts).
Identifiers: ClinVar variation 1014513 (VCV001014513.5), dbSNP rs1222657512, ClinGen allele CA639295812.

ClinVar aggregate classification (germline): Uncertain significance (1 of 4 stars; one submission).

Conditions:
Muscular dystrophy-dystroglycanopathy type B6 (MDDGB6). Also called: MUSCULAR DYSTROPHY-DYSTROGLYCANOPATHY (CONGENITAL WITH IMPAIRED INTELLECTUAL DEVELOPMENT), TYPE B, 6; MUSCULAR DYSTROPHY, CONGENITAL, LARGE-RELATED; MUSCULAR DYSTROPHY, CONGENITAL, TYPE 1D. Identifiers: MedGen C1837229, MONDO:0012138, OMIM 608840.

Allele frequency attached by ClinVar (database versions not stated): gnomAD exomes below 0.00001 and 0.00001.
gnomAD v4.1: 2 of 1,614,062 alleles (0.00012%); highest among the groups gnomAD compares: Non-Finnish European, 0.00017%; no homozygotes.

Submission:

Labcorp Genetics (formerly Invitae), Labcorp
Classification: Uncertain significance for Muscular dystrophy-dystroglycanopathy type B6. Last evaluated: 2023-05-23. Review status: criteria provided, single submitter. Criteria: Invitae Variant Classification Sherloc (09022015). Collection method: clinical testing. Allele origin: germline.
Comment: This variant has not been reported in the literature in individuals affected with LARGE1-related conditions. In summary, the available evidence is currently insufficient to determine the role of this variant in disease. Therefore, it has been classified as a Variant of Uncertain Significance. Variants that disrupt the consensus splice site are a relatively common cause of aberrant splicing (PMID: 17576681, 9536098). Algorithms developed to predict the effect of sequence changes on RNA splicing suggest that this variant is not likely to affect RNA splicing. ClinVar contains an entry for this variant (Variation ID: 1014513). This variant is present in population databases (no rsID available, gnomAD 0.002%). This sequence change falls in intron 5 of the LARGE1 gene. It does not directly change the encoded amino acid sequence of the LARGE1 protein. It affects a nucleotide within the consensus splice site.

Literature cited by the submitters: PubMed 17576681; PubMed 9536098.